The following is an entry in ClinVar:

ClinVar aggregate classification (germline): Uncertain significance. Review status: criteria provided, multiple submitters, no conflicts (2 of 4 stars). 2 submissions from 2 submitters: Uncertain significance (2). Last evaluated 2024-10-31.

Conditions:
Familial amyloid nephropathy with urticaria AND deafness (MWS). Also called: UDA SYNDROME; URTICARIA-DEAFNESS-AMYLOIDOSIS SYNDROME; MUCKLE-WELLS SYNDROME; Urticaria, deafness and amyloidosis; CRYOPYRIN-ASSOCIATED PERIODIC SYNDROME 2. Identifiers: Orphanet 575, MedGen C0268390, MONDO:0008633, OMIM 191900.
Chronic infantile neurological, cutaneous and articular syndrome (CINCA). Also called: CHRONIC NEUROLOGIC CUTANEOUS AND ARTICULAR SYNDROME; CINCA syndrome; Prieur Griscelli syndrome; CRYOPYRIN-ASSOCIATED PERIODIC SYNDROME 3. Identifiers: Orphanet 1451, MedGen C0409818, MONDO:0011776, OMIM 607115.
Hearing loss, autosomal dominant 34, with or without inflammation. Also called: DEAFNESS, AUTOSOMAL DOMINANT 34, WITH OR WITHOUT INFLAMMATION. Identifiers: MedGen C4521680, MONDO:0033261, OMIM 617772.
Familial cold autoinflammatory syndrome 1 (FCAS1). Also called: CRYOPYRIN-ASSOCIATED PERIODIC SYNDROME 1; Familial cold inflammatory syndrome 1. Identifiers: Orphanet 47045, MedGen C4551895, MONDO:0007349, OMIM 120100.
Keratitis fugax hereditaria. Also called: KERATOENDOTHELIITIS FUGAX HEREDITARIA. Identifiers: Orphanet 647815, MedGen C1835697, MONDO:0007849, OMIM 148200.
Cryopyrin associated periodic syndrome (CAPS). Identifiers: Orphanet 208650, MedGen C2316212, MONDO:0016168.

gnomAD v4.1: 1 of 1,614,006 alleles (0.000062%); no homozygotes.

Submissions (2):

Labcorp Genetics (formerly Invitae), Labcorp
Classification: Uncertain significance for Cryopyrin associated periodic syndrome. Last evaluated: 2024-10-31. Review status: criteria provided, single submitter. Criteria: Invitae Variant Classification Sherloc (09022015). Collection method: clinical testing. Allele origin: germline.
Comment: This sequence change affects codon 191 of the NLRP3 mRNA. It is a 'silent' change, meaning that it does not change the encoded amino acid sequence of the NLRP3 protein. This variant is present in population databases (no rsID available, gnomAD 0.006%). This variant has not been reported in the literature in individuals affected with NLRP3-related conditions. Algorithms developed to predict the effect of sequence changes on RNA splicing suggest that this variant may create or strengthen a splice site. In summary, the available evidence is currently insufficient to determine the role of this variant in disease. Therefore, it has been classified as a Variant of Uncertain Significance.

Fulgent Genetics
Classification: Uncertain significance for Familial cold autoinflammatory syndrome 1; Keratitis fugax hereditaria; Familial amyloid nephropathy with urticaria AND deafness; Chronic infantile neurological, cutaneous and articular syndrome; Hearing loss, autosomal dominant 34, with or without inflammation. Last evaluated: 2024-06-17. Review status: criteria provided, single submitter. Criteria: ACMG Guidelines, 2015. Collection method: clinical testing. Allele origin: germline.

NM_001243133.2(NLRP3):c.567C>T (p.Gly189=)

Gene: NLRP3 (NLR family pyrin domain containing 3; plus strand). Cytogenetic location: 1q44.
Variant type: single nucleotide variant.
Coding change: c.567C>T on transcript NM_001243133.2 (MANE Select); coding-DNA position 567, C replaced by T.
Protein change: p.Gly189=; no amino-acid change (glycine 189 retained).
Molecular consequence: synonymous variant.
Genome position (GRCh38, 1-based): chr1:247,424,016, C>T. VCF-style: chr1-247424016-C-T. GRCh37 (hg19) VCF-style: chr1-247587318-C-T.
Other names: c.567C>T, p.Gly189= (NM_001079821.3, NM_001127461.3, NM_001127462.3 and 1 more transcripts); c.573C>T, p.Gly191= (NM_004895.5).
Identifiers: ClinVar variation 3583100 (VCV003583100.3).